The following is an entry in ClinVar:

ClinVar aggregate classification (germline): Uncertain significance. Review status: criteria provided, multiple submitters, no conflicts (2 of 4 stars). 3 submissions from 3 submitters: Uncertain significance (3). Last evaluated 2025-03-06.

Conditions:
Inborn genetic diseases. Identifiers: MedGen C0950123, MeSH D030342.

Allele frequency attached by ClinVar (database versions not stated): gnomAD 0.00001.
gnomAD v4.1: 10 of 1,550,702 alleles (0.00064%); highest among the groups gnomAD compares: Non-Finnish European, 0.00087%; no homozygotes.

Submissions (3):

Labcorp Genetics (formerly Invitae), Labcorp
Classification: Uncertain significance. Last evaluated: 2025-03-06. Review status: criteria provided, single submitter. Criteria: Invitae Variant Classification Sherloc (09022015). Collection method: clinical testing. Allele origin: germline.
Comment: This sequence change replaces valine, which is neutral and non-polar, with methionine, which is neutral and non-polar, at codon 85 of the NR2E3 protein (p.Val85Met). This variant is present in population databases (no rsID available, gnomAD 0.002%). This variant has not been reported in the literature in individuals affected with NR2E3-related conditions. ClinVar contains an entry for this variant (Variation ID: 1955728). Invitae Evidence Modeling of protein sequence and biophysical properties (such as structural, functional, and spatial information, amino acid conservation, physicochemical variation, residue mobility, and thermodynamic stability) indicates that this missense variant is not expected to disrupt NR2E3 protein function with a negative predictive value of 80%. In summary, the available evidence is currently insufficient to determine the role of this variant in disease. Therefore, it has been classified as a Variant of Uncertain Significance.

Ambry Genetics
Classification: Uncertain significance for Inborn genetic diseases. Last evaluated: 2023-06-22. Review status: criteria provided, single submitter. Criteria: Ambry Variant Classification Scheme 2023. Collection method: clinical testing. Allele origin: germline.

Blueprint Genetics
Classification: Uncertain significance. Last evaluated: 2019-02-07. Review status: criteria provided, single submitter. Criteria: ACMG Guidelines, 2015. Collection method: clinical testing. Allele origin: germline.

NM_014249.4(NR2E3):c.253G>A (p.Val85Met)

Gene: NR2E3 (nuclear receptor subfamily 2 group E member 3; plus strand). Cytogenetic location: 15q23.
Variant type: single nucleotide variant.
Coding change: c.253G>A on transcript NM_014249.4 (MANE Select); coding-DNA position 253, G replaced by A.
Protein change: p.Val85Met; replaces valine 85 with methionine.
Molecular consequence: missense variant.
Genome position (GRCh38, 1-based): chr15:71,811,773, G>A. VCF-style: chr15-71811773-G-A. GRCh37 (hg19) VCF-style: chr15-72104113-G-A.
Other names: c.253G>A (NM_014249.2); c.253G>A, p.Val85Met (NM_016346.4); short protein forms V85M.
Identifiers: ClinVar variation 1955728 (VCV001955728.6), dbSNP rs1025686445, ClinGen allele CA272574964.